The following is an entry in ClinVar:

NM_001723.7(DST):c.7082T>C (p.Ile2361Thr)

Gene: DST (dystonin; minus strand). Cytogenetic location: 6p12.1.
Variant type: single nucleotide variant.
Coding change: c.7082T>C on transcript NM_001723.7 (MANE Plus Clinical); coding-DNA position 7082, T replaced by C.
Protein change: p.Ile2361Thr; replaces isoleucine 2361 with threonine.
Molecular consequence: missense variant. On other transcripts: intron variant (10).
Genome position (GRCh38, 1-based): chr6:56,616,385, A>G on the plus strand (T>C on the coding strand, the complement: DST is on the minus strand). VCF-style: chr6-56616385-A-G. GRCh37 (hg19) VCF-style: chr6-56481183-A-G.
Other names: c.4831-1901T>C (NM_001144769.5); c.4930-1901T>C (NM_001374722.1, NM_001374736.1); c.4957-1901T>C (NM_001374734.1); c.4417-1901T>C (NM_001144770.2); c.4297-1901T>C (NM_001374730.1, NM_001386100.1, NM_183380.4 and 1 more transcripts); c.3319-1901T>C (NM_015548.5); short protein forms I2361T.
Identifiers: ClinVar variation 1911241 (VCV001911241.5), dbSNP rs2536611266, ClinGen allele CA364563768.

ClinVar aggregate classification (germline): Uncertain significance (1 of 4 stars; one submission).

Conditions:
Hereditary sensory and autonomic neuropathy type 6. Also called: HSAN VI; Neuropathy, hereditary sensory and autonomic, type VI. Identifiers: Orphanet 314381, MedGen C3539003, MONDO:0013839, OMIM 614653.
Epidermolysis bullosa simplex 3, localized or generalized intermediate, with BP230 deficiency (EBS3). Also called: Epidermolysis bullosa simplex, autosomal recessive 2; Epidermolysis bullosa simplex due to BP230 deficiency. Identifiers: Orphanet 412181, MedGen C3809470, MONDO:0014180, OMIM 615425.

Allele frequency attached by ClinVar (database versions not stated): gnomAD exomes below 0.00001.
gnomAD v4.1: 2 of 1,613,778 alleles (0.00012%); highest among the groups gnomAD compares: Admixed American, 0.0017%; no homozygotes.

Submission:

Labcorp Genetics (formerly Invitae), Labcorp
Classification: Uncertain significance for Epidermolysis bullosa simplex 3, localized or generalized intermediate, with BP230 deficiency; Hereditary sensory and autonomic neuropathy type 6. Last evaluated: 2022-10-25. Review status: criteria provided, single submitter. Criteria: Invitae Variant Classification Sherloc (09022015). Collection method: clinical testing. Allele origin: germline.
Comment: In summary, the available evidence is currently insufficient to determine the role of this variant in disease. Therefore, it has been classified as a Variant of Uncertain Significance. Algorithms developed to predict the effect of missense changes on protein structure and function are either unavailable or do not agree on the potential impact of this missense change (SIFT: "Deleterious"; PolyPhen-2: "Benign"; Align-GVGD: "Class C65"). This variant has not been reported in the literature in individuals affected with DST-related conditions. This variant is not present in population databases (gnomAD no frequency). This sequence change replaces isoleucine, which is neutral and non-polar, with threonine, which is neutral and polar, at codon 2361 of the DST protein (p.Ile2361Thr).